The following is an entry in ClinVar:

NM_000069.3(CACNA1S):c.1363_1369delinsTGG (p.Asn455fs)

Gene: CACNA1S (calcium voltage-gated channel subunit alpha1 S; minus strand). Cytogenetic location: 1q32.1.
Variant type: Indel.
Coding change: c.1363_1369delinsTGG on transcript NM_000069.3 (MANE Select); coding-DNA positions 1363 to 1369, AACCAGC replaced by TGG.
Protein change: p.Asn455fs; shifts the reading frame from asparagine 455.
Molecular consequence: frameshift variant.
Genome position (GRCh38, 1-based): chr1:201,083,186-201,083,192, GCTGGTT replaced by CCA on the plus strand (AACCAGC replaced by TGG on the coding strand, the reverse complement: CACNA1S is on the minus strand). VCF-style: chr1-201083186-GCTGGTT-CCA. GRCh37 (hg19) VCF-style: chr1-201052314-GCTGGTT-CCA.
Other names: short protein forms N455fs.
Identifiers: ClinVar variation 4758727 (VCV004758727.1).

ClinVar aggregate classification (germline): Uncertain significance (1 of 4 stars; one submission).

Conditions:
Malignant hyperthermia, susceptibility to, 5 (MHS5). Also called: CACNA1S-Related Malignant Hyperthermia Susceptibility. Identifiers: Orphanet 423, MedGen C1866077, MONDO:0011163, OMIM 601887.

Submission:

Color Diagnostics, LLC DBA Color Health
Classification: Uncertain significance for Malignant hyperthermia, susceptibility to, 5. Last evaluated: 2025-05-21. Review status: criteria provided, single submitter. Criteria: ACMG Guidelines, 2015. Collection method: clinical testing. Allele origin: germline.
Comment: This variant deletes 10 nucleotides in exon 10 of the CACNA1S gene, creating a frameshift and premature translation stop signal. This variant is expected to result in an absent or non-functional protein product. To our knowledge, this variant has not been reported in individuals affected with CACNA1S-related disorders in the literature. This variant has not been identified in the general population by the Genome Aggregation Database (gnomAD). Loss of CACNA1S function due to haploinsufficiency is not an established disease mechanism for autosomal dominant malignant hyperthermia susceptibility. Due to insufficient evidence, this variant is classified as a Variant of Uncertain Significance for autosomal dominant malignant hyperthermia.